The following is an entry in ClinVar:

NM_000132.4(F8):c.935T>C (p.Phe312Ser)

Gene: F8 (coagulation factor VIII; minus strand). Cytogenetic location: Xq28.
Variant type: single nucleotide variant.
Coding change: c.935T>C on transcript NM_000132.4 (MANE Select); coding-DNA position 935, T replaced by C.
Protein change: p.Phe312Ser; replaces phenylalanine 312 with serine.
Molecular consequence: missense variant.
Genome position (GRCh38, 1-based): chrX:154,969,405, A>G on the plus strand (T>C on the coding strand, the complement: F8 is on the minus strand). VCF-style: chrX-154969405-A-G. GRCh37 (hg19) VCF-style: chrX-154197680-A-G.
Other names: F8, PHE293SER; F293S; short protein forms F312S.
Identifiers: ClinVar variation 10196 (VCV000010196.19), dbSNP rs137852405, ClinGen allele CA255083.

ClinVar aggregate classification (germline): Pathogenic/Likely pathogenic. Review status: criteria provided, multiple submitters, no conflicts (2 of 4 stars). 6 submissions from 6 submitters: Pathogenic (4); Likely pathogenic (1). 1 of the submissions does not count toward it. Last evaluated 2025-03-12.

Conditions:
Hereditary factor IX deficiency disease (HEMB). Also called: Christmas Disease; F9 DEFICIENCY; FACTOR IX DEFICIENCY; Hemophilia B; PLASMA THROMBOPLASTIN COMPONENT DEFICIENCY. Identifiers: Orphanet 98879, MedGen C0008533, MeSH D002836, MONDO:0010604, OMIM 306900.
Hereditary factor VIII deficiency disease (HEMA). Also called: HEMOPHILIA, CLASSIC; Hemophilia A; Hemophilia A, congenital; HEM A; Factor 8 deficiency, congenital; AUTOSOMAL HEMOPHILIA A. Identifiers: Orphanet 98878, MedGen C0019069, MONDO:0010602, OMIM 306700.

Allele frequency attached by ClinVar (database versions not stated): gnomAD exomes below 0.00001; TOPMed 0.00023.
gnomAD v4.1: 1 of 1,211,820 alleles (0.000083%); highest among the groups gnomAD compares: Non-Finnish European, 0.00011%; no homozygotes.

Submissions (6):

ARUP Laboratories, Molecular Genetics and Genomics, ARUP Laboratories
Classification: Pathogenic. Last evaluated: 2025-03-12. Review status: criteria provided, single submitter. Criteria: ARUP Molecular Germline Variant Investigation Process 2024. Collection method: clinical testing. Allele origin: germline.
Comment: The F8 c.935T>C; p.Phe312Ser variant (rs137852405), also known as p.Phe293Ser in traditional nomenclature, is reported in the literature in numerous individuals affected with mild hemophilia A (Higuchi 1991, Johnsen 2017, Liu 1998, Miller 2012). This variant is reported in ClinVar (Variation ID: 10196), but it is absent from the Genome Aggregation Database indicating it is not a common polymorphism. The phenylalanine at codon 312 is moderately conserved, and modeling approaches suggest this variant disrupts tertiary structure and hydrogen bonding patterns in the mature protein (Liu 1998, Markoff 2009). Further, this variant occurs in a domain involved in interaction with the chaperone protein BiP and cellular studies suggest it results in impaired secretion (Swaroop 1997). Based on available information, the p.Phe312Ser variant is considered to be pathogenic. References: Higuchi M et al. Molecular characterization of severe hemophilia A suggests that about half the mutations are not within the coding regions and splice junctions of the factor VIII gene. Proc Natl Acad Sci U S A. 1991 Aug 15;88(16):7405-9. PMID: 1908096. Johnsen JM et al. Novel approach to genetic analysis and results in 3000 hemophilia patients enrolled in the My Life, Our Future initiative. Blood Adv. 2017 May 18;1(13):824-834. PMID: 29296726. Liu M et al. A domain mutations in 65 haemophilia A families and molecular modelling of dysfunctional factor VIII proteins. Br J Haematol. 1998 Dec;103(4):1051-60. PMID: 9886318. Markoff A et al. Combined homology modelling and evolutionary significance evaluation of missense mutations in blood clotting factor VIII to highlight aspects of structure and function. Haemophilia. 2009 Jul;15(4):932-41. PMID: 19473423. Miller CH et al. F8 and F9 mutations in US haemophilia patients: correlation with history of inhibitor and race/ethnicity. Haemophilia. 2012 May;18(3):375-82. PMID: 22103590. Swaroop M et al. Mutagenesis of a potential immunoglobulin-binding protein-binding site enhances secretion of coagulation factor VIII. J Biol Chem. 1997 Sep 26;272(39):24121-4. PMID: 9305856.

Mayo Clinic Laboratories, Mayo Clinic
Classification: Pathogenic. Last evaluated: 2025-01-29. Review status: criteria provided, single submitter. Criteria: ACMG Guidelines, 2015. Collection method: clinical testing. Allele origin: germline. Observed: 1 variant allele.
Comment: PP3_moderate, PM2_supporting, PS3, PS4_moderate

Women's Health and Genetics/Laboratory Corporation of America, LabCorp
Classification: Pathogenic for Hereditary factor VIII deficiency disease. Last evaluated: 2023-10-25. Review status: criteria provided, single submitter. Criteria: LabCorp Variant Classification Summary - May 2015. Collection method: clinical testing. Allele origin: germline.
Comment: Variant summary: F8 c.935T>C (p.Phe312Ser) results in a non-conservative amino acid change in the encoded protein sequence. Four of five in-silico tools predict a damaging effect of the variant on protein function. The variant was absent in 183329 control chromosomes (gnomAD). c.935T>C has been reported in the literature in multiple individuals affected with Factor VIII Deficiency (Hemophilia A) (examples: Higuchi_1991, Miller_2012, Downes_2019). These data indicate that the variant is very likely to be associated with disease. The following publications have been ascertained in the context of this evaluation (PMID: 31064749, 22103590, 1908096). Two submitters have cited clinical-significance assessments for this variant to ClinVar after 2014. All submitters classified the variant as pathogenic. Based on the evidence outlined above, the variant was classified as pathogenic.

GeneDx
Classification: Likely pathogenic. Last evaluated: 2023-09-06. Review status: criteria provided, single submitter. Criteria: GeneDx Variant Classification Process June 2021. Collection method: clinical testing. Allele origin: germline. Affected: yes.
Comment: Not observed at significant frequency in large population cohorts (gnomAD); In silico analysis supports that this missense variant has a deleterious effect on protein structure/function; This variant is associated with the following publications: (PMID: 19473423, 31064749, 1908096, 31361374)

NIHR Bioresource Rare Diseases, University of Cambridge
Classification: Pathogenic for Hereditary factor IX deficiency disease. Last evaluated: 2019-02-01. Review status: criteria provided, single submitter. Criteria: ACMG Guidelines, 2015. Collection method: research. Allele origin: unknown. Affected: yes. Observed: 1 hemizygote. Study: ThromboGenomics.

OMIM
Classification: Pathogenic for HEMOPHILIA A. Last evaluated: 1991-08-15. Review status: no assertion criteria provided. Collection method: literature only. Allele origin: germline. Not counted in ClinVar's aggregate classification.

Literature cited by the submitters: PubMed 1908096 (cited by 3 submitters); PubMed 22103590 (cited by Mayo Clinic Laboratories, Mayo Clinic and Women's Health and Genetics/Laboratory Corporation of America, LabCorp); PubMed 29296726 (cited by Mayo Clinic Laboratories, Mayo Clinic); PubMed 31064749 (cited by 3 submitters); PubMed 31361374 (cited by Mayo Clinic Laboratories, Mayo Clinic); PubMed 32166871 (cited by Mayo Clinic Laboratories, Mayo Clinic); PubMed 9305856 (cited by Mayo Clinic Laboratories, Mayo Clinic); PubMed 9886318 (cited by Mayo Clinic Laboratories, Mayo Clinic).